The following is an entry in ClinVar:

NM_004336.5(BUB1):c.2906C>G (p.Ser969Cys)

Gene: BUB1 (BUB1 mitotic checkpoint serine/threonine kinase; minus strand). Cytogenetic location: 2q13.
Variant type: single nucleotide variant.
Coding change: c.2906C>G on transcript NM_004336.5 (MANE Select); coding-DNA position 2906, C replaced by G.
Protein change: p.Ser969Cys; replaces serine 969 with cysteine.
Molecular consequence: missense variant.
Genome position (GRCh38, 1-based): chr2:110,641,083, G>C on the plus strand (C>G on the coding strand, the complement: BUB1 is on the minus strand). VCF-style: chr2-110641083-G-C. GRCh37 (hg19) VCF-style: chr2-111398660-G-C.
Other names: c.2846C>G, p.Ser949Cys (NM_001278616.2); c.2735C>G, p.Ser912Cys (NM_001278617.2); short protein forms S969C, S912C, S949C.
Identifiers: ClinVar variation 2565780 (VCV002565780.2), dbSNP rs1393899850, ClinGen allele CA348089034.

ClinVar aggregate classification (germline): Uncertain significance (1 of 4 stars; one submission).

Allele frequency attached by ClinVar (database versions not stated): gnomAD exomes below 0.00001.
gnomAD v4.1: 1 of 1,610,922 alleles (0.000062%); highest among the groups gnomAD compares: South Asian, 0.0011%; no homozygotes.

Submission:

Ambry Genetics
Classification: Uncertain significance. Last evaluated: 2023-03-23. Review status: criteria provided, single submitter. Criteria: Ambry Variant Classification Scheme 2023. Collection method: clinical testing. Allele origin: germline.
Comment: The p.S969C variant (also known as c.2906C>G), located in coding exon 23 of the BUB1 gene, results from a C to G substitution at nucleotide position 2906. The serine at codon 969 is replaced by cysteine, an amino acid with dissimilar properties. This amino acid position is conserved. In addition, this alteration is predicted to be deleterious by in silico analysis. Since supporting evidence is limited at this time, the clinical significance of this alteration remains unclear.